The following is an entry in ClinVar:

ClinVar aggregate classification (germline): Uncertain significance (1 of 4 stars; one submission).

Submission:

Ambry Genetics
Classification: Uncertain significance. Last evaluated: 2021-10-11. Review status: criteria provided, single submitter. Criteria: Ambry Variant Classification Scheme 2023. Collection method: clinical testing. Allele origin: germline.
Comment: The p.Q3104R variant (also known as c.9311A>G), located in coding exon 66 of the PRKDC gene, results from an A to G substitution at nucleotide position 9311. The glutamine at codon 3104 is replaced by arginine, an amino acid with highly similar properties. This amino acid position is conserved. Since supporting evidence is limited at this time, the clinical significance of this alteration remains unclear.

NM_006904.7(PRKDC):c.9311A>G (p.Gln3104Arg)

Gene: PRKDC (protein kinase, DNA-activated, catalytic subunit; minus strand). Cytogenetic location: 8q11.21.
Variant type: single nucleotide variant.
Coding change: c.9311A>G on transcript NM_006904.7 (MANE Select); coding-DNA position 9311, A replaced by G.
Protein change: p.Gln3104Arg; replaces glutamine 3104 with arginine.
Molecular consequence: missense variant.
Genome position (GRCh38, 1-based): chr8:47,820,744, T>C on the plus strand (A>G on the coding strand, the complement: PRKDC is on the minus strand). VCF-style: chr8-47820744-T-C. GRCh37 (hg19) VCF-style: chr8-48733305-T-C.
Other names: c.9311A>G, p.Gln3104Arg (NM_001081640.2); short protein forms Q3104R.
Identifiers: ClinVar variation 1766548 (VCV001766548.2), dbSNP rs2551865335, ClinGen allele CA371139314.
Genomic context (GRCh38, chr8:47,820,744, plus strand): 5'-ATATACAAGCATATATATATAATATATAGTATTACCTGCATAAAACTCTGAATGCCATTT[T>C]GAATGTAATATTTGGCTCTGTCAACATCATCTTGCAGGAGGTAAAGCAGACTCAGCTCTT-3'
Protein context (NP_008835.5, residues 3094-3114): DDVDRAKYYI[Gln3104Arg]NGIQSFMQNY